The following is an entry in ClinVar:

NM_003072.5(SMARCA4):c.1796T>G (p.Ile599Ser)

Gene: SMARCA4 (SWI/SNF related BAF chromatin remodeling complex subunit ATPase 4; plus strand). Cytogenetic location: 19p13.2.
Variant type: single nucleotide variant.
Coding change: c.1796T>G on transcript NM_003072.5 (MANE Select); coding-DNA position 1796, T replaced by G.
Protein change: p.Ile599Ser; replaces isoleucine 599 with serine.
Molecular consequence: missense variant. On other transcripts: non-coding transcript variant (1).
Genome position (GRCh38, 1-based): chr19:10,996,528, T>G. VCF-style: chr19-10996528-T-G. GRCh37 (hg19) VCF-style: chr19-11107204-T-G.
Other names: c.1796T>G, p.Ile599Ser (NM_001128844.3, NM_001128845.2, NM_001128846.2 and 4 more transcripts); short protein forms I599S.
Identifiers: ClinVar variation 820063 (VCV000820063.4), dbSNP rs1207080512, ClinGen allele CA404064848.

ClinVar aggregate classification (germline): Uncertain significance (1 of 4 stars; one submission).

Conditions:
Hereditary cancer-predisposing syndrome. Also called: Neoplastic Syndromes, Hereditary; Tumor predisposition; Hereditary Cancer Syndrome; Hereditary neoplastic syndrome. Identifiers: Orphanet 140162, MedGen C0027672, MeSH D009386, MONDO:0015356.

Submission:

Ambry Genetics
Classification: Uncertain significance for Hereditary cancer-predisposing syndrome. Last evaluated: 2018-03-15. Review status: criteria provided, single submitter. Criteria: Ambry Variant Classification Scheme 2023. Collection method: clinical testing. Allele origin: germline.
Comment: The p.I599S variant (also known as c.1796T>G), located in coding exon 10 of the SMARCA4 gene, results from a T to G substitution at nucleotide position 1796. The isoleucine at codon 599 is replaced by serine, an amino acid with dissimilar properties. This amino acid position is highly conserved through mammals but not in all available vertebrate species. In addition, the in silico prediction for this alteration is inconclusive. Since supporting evidence is limited at this time, the clinical significance of this alteration remains unclear.